The following is an entry in ClinVar:

NM_003072.5(SMARCA4):c.2936G>A (p.Arg979Gln)

Gene: SMARCA4 (SWI/SNF related BAF chromatin remodeling complex subunit ATPase 4; plus strand). Cytogenetic location: 19p13.2.
Variant type: single nucleotide variant.
Coding change: c.2936G>A on transcript NM_003072.5 (MANE Select); coding-DNA position 2936, G replaced by A.
Protein change: p.Arg979Gln; replaces arginine 979 with glutamine.
Molecular consequence: missense variant. On other transcripts: non-coding transcript variant (1).
Genome position (GRCh38, 1-based): chr19:11,023,594, G>A. VCF-style: chr19-11023594-G-A. GRCh37 (hg19) VCF-style: chr19-11134270-G-A.
Other names: c.2936G>A, p.Arg979Gln (NM_001128844.3, NM_001128845.2, NM_001128846.2 and 5 more transcripts); short protein forms R979Q.
Identifiers: ClinVar variation 212246 (VCV000212246.20), dbSNP rs797045981, ClinGen allele CA208733.

ClinVar aggregate classification (germline): Pathogenic/Likely pathogenic. Review status: criteria provided, multiple submitters, no conflicts (2 of 4 stars). 10 submissions from 9 submitters: Pathogenic (6); Likely pathogenic (2). 2 of the submissions do not count toward it. Last evaluated 2025-03-20.

Conditions:
SMARCA4-related BAFopathy.
Hereditary cancer-predisposing syndrome. Also called: Hereditary Cancer Syndrome; Tumor predisposition; Hereditary neoplastic syndrome; Neoplastic Syndromes, Hereditary. Identifiers: Orphanet 140162, MedGen C0027672, MeSH D009386, MONDO:0015356.
Intellectual disability, autosomal dominant 16 (CSS4). Also called: COFFIN-SIRIS SYNDROME 4. Identifiers: Orphanet 1465, MedGen C3553249, MONDO:0013821, OMIM 614609.
Rhabdoid tumor predisposition syndrome 2 (RTPS2). Identifiers: Orphanet 231108, Orphanet 69077, MedGen C2750074, MONDO:0013224, OMIM 613325.
Cleft palate. Identifiers: Orphanet 2014, MedGen C2981150, MONDO:0016064, HP:0000175.

Submissions (10):

GeneDx
Classification: Pathogenic. Last evaluated: 2025-03-20. Review status: criteria provided, single submitter. Criteria: GeneDx Variant Classification Process June 2021. Collection method: clinical testing. Allele origin: germline. Affected: yes.
Comment: De novo variant with confirmed parentage in a critically ill infant, but no clinical information provided (PMID: 28973083); In silico analysis supports that this missense variant has a deleterious effect on protein structure/function; Not observed at significant frequency in large population cohorts (gnomAD); This variant is associated with the following publications: (PMID: 33144586, 34930489, 36939041, 37541188, 35982159, 33057194, 34906496, 35385219, 24658002, 32686290, 28973083)

Ambry Genetics
Classification: Pathogenic for Hereditary cancer-predisposing syndrome. Last evaluated: 2024-08-16. Review status: criteria provided, single submitter. Criteria: Ambry Variant Classification Scheme 2023. Collection method: clinical testing. Allele origin: germline.
Comment: The p.R979Q pathogenic mutation (also known as c.2936G>A), located in coding exon 19 of the SMARCA4 gene, results from a G to A substitution at nucleotide position 2936. The arginine at codon 979 is replaced by glutamine, an amino acid with highly similar properties. This variant was reported in multiple individuals with features consistent with Coffin-Siris Syndrome, and the variant was reported as a de novo change in several of these individuals (Meng L et al. JAMA Pediatr, 2017 Dec;171:e173438; Li D et al. Am J Med Genet A, 2020 Sep;182:2058-2067; Domogala DD et al. Hum Genomics, 2021 Dec;15:72; Gofin Y et al. Am J Med Genet A, 2022 Sep;188:2718-2723). This missense alteration is located in a region that has a low rate of benign missense variation (Lek M et al. Nature. 2016 Aug 18;536(7616):285-91; DECIPHER: Database of Chromosomal Imbalance and Phenotype in Humans using Ensembl Resources. Firth H.V. et al. 2009. Am.J.Hum.Genet. 84, 524-533 (DOI)).This amino acid position is highly conserved in available vertebrate species. In addition, this alteration is predicted to be deleterious by in silico analysis. This variant is considered to be rare based on population cohorts in the Genome Aggregation Database (gnomAD). Missense and in-frame variants in SMARCA4 are known to cause neurodevelopmental disorders; however, such associations with rhabdoid tumor predisposition syndrome including small cell carcinoma of the ovary-hypercalcemic type (SCCOHT) are exceedingly rare (Kosho T et al. Am J Med Genet C Semin Med Genet. 2014 Sep;166C(3):262-75; Jelinic P et al. Nat Genet. 2014 May;46(5):424-6). Based on the supporting evidence, this alteration is pathogenic for Coffin-Siris syndrome; however, the association of this alteration with rhabdoid tumor predisposition syndrome is unlikely.

Genome-Nilou Lab
Classification: Likely pathogenic for Intellectual disability, autosomal dominant 16. Last evaluated: 2021-07-15. Review status: criteria provided, single submitter. Criteria: ACMG Guidelines, 2015. Collection method: clinical testing. Allele origin: germline. Affected: no.

Baylor Genetics
Classification: Pathogenic for SMARCA4-related BAFopathy. Last evaluated: 2021-06-10. Review status: criteria provided, single submitter. Criteria: ACMG Guidelines, 2015. Collection method: clinical testing. Allele origin: de novo. Affected: yes.

Victorian Clinical Genetics Services, Murdoch Childrens Research Institute
Classification: Pathogenic for Intellectual disability, autosomal dominant 16. Last evaluated: 2021-05-06. Review status: criteria provided, single submitter. Criteria: ACMG Guidelines, 2015. Collection method: clinical testing. Allele origin: germline. Inheritance: Autosomal dominant inheritance. Affected: yes.
Comment: Based on the classification scheme VCGS_Germline_v1.3.4, this variant is classified as Pathogenic. Following criteria are met: 0105 - The mechanism of disease is not clearly established for Coffin-Siris syndrome 4 (MIM#614609). However, susceptibility to rhabdoid tumor predisposition syndrome 2 (MIM#613325) is caused by loss of function variants (OMIM, PMID: 22426308). (I) 0107 - This gene is associated with autosomal dominant disease. (I) 0200 - Variant is predicted to result in a missense amino acid change from arginine to glutamine. (I) 0251 - This variant is heterozygous. (I) 0301 - Variant is absent from gnomAD (both v2 and v3). (SP) 0501 - Missense variant consistently predicted to be damaging by multiple in silico tools or highly conserved with a major amino acid change. (SP) 0603 - Missense variant in a region that is highly intolerant to missense variation (high constraint region in DECIPHER). (SP) 0705 - No comparable missense variants have previous evidence for pathogenicity. (I) 0801 - This variant has strong previous evidence of pathogenicity in unrelated individuals. This variant has been reported mostly as likely pathogenic and pathogenic, and has been observed in multiple de novo individuals with Coffin-Siris syndrome, intellectual disability and/or cleft palate (Decipher, ClinVar, PMID: 28973083). (SP) 1102 - Strong phenotype match for this individual. (SP) Legend: (SP) - Supporting pathogenic, (I) - Information, (SB) - Supporting benign

Daryl Scott Lab, Baylor College of Medicine
Classification: Pathogenic for Intellectual disability, autosomal dominant 16. Last evaluated: 2020-11-11. Review status: criteria provided, single submitter. Criteria: ACMG Guidelines, 2015. Collection method: clinical testing. Allele origin: de novo. Affected: yes. Observed: 1 variant allele.

Baylor Genetics
Classification: Pathogenic for Intellectual disability, autosomal dominant 16. Last evaluated: 2018-09-27. Review status: criteria provided, single submitter. Criteria: ACMG Guidelines, 2015. Collection method: clinical testing. Allele origin: de novo. Affected: yes.
Comment: This variant was determined to be pathogenic according to ACMG Guidelines, 2015 [PMID:25741868].

Cytogénomique, Hospices Civils de Lyon
Classification: Likely pathogenic for Intellectual disability, autosomal dominant 16; Rhabdoid tumor predisposition syndrome 2. Last evaluated: 2018-01-05. Review status: criteria provided, single submitter. Criteria: ACMG Guidelines, 2015. Collection method: clinical testing. Allele origin: de novo. Inheritance: Autosomal dominant inheritance. Affected: yes.

Autoinflammatory diseases unit, CHU de Montpellier
Classification: Likely pathogenic for Cleft palate. Last evaluated: 2018-12-03. Review status: no assertion criteria provided. Collection method: clinical testing. Allele origin: de novo. Affected: yes. Not counted in ClinVar's aggregate classification.

Genetic Services Laboratory, University of Chicago
Classification: Uncertain significance. Last evaluated: 2015-05-06. Review status: flagged submission. Criteria: ACMG Guidelines, 2015. Collection method: clinical testing. Allele origin: germline. Not counted in ClinVar's aggregate classification.
ClinVar note: Reason: Older and outlier claim with insufficient supporting evidence

Literature cited by the submitters: PubMed 28973083 (cited by 3 submitters); PubMed 32686290 (cited by Ambry Genetics); PubMed 34930489 (cited by Ambry Genetics); PubMed 35796094 (cited by Ambry Genetics); PubMed 22426308 (cited by Victorian Clinical Genetics Services, Murdoch Childrens Research Institute); PubMed 33461977 (cited by Daryl Scott Lab, Baylor College of Medicine).